The following is an entry in ClinVar:

ClinVar aggregate classification (germline): Uncertain significance. Review status: criteria provided, multiple submitters, no conflicts (2 of 4 stars). 2 submissions from 2 submitters: Uncertain significance (2). Last evaluated 2022-09-06.

Allele frequency attached by ClinVar (database versions not stated): gnomAD 0.00001.
gnomAD v4.1: 6 of 1,612,684 alleles (0.00037%); highest among the groups gnomAD compares: African/African-American, 0.008%; no homozygotes.

Submissions (2):

Labcorp Genetics (formerly Invitae), Labcorp
Classification: Uncertain significance. Last evaluated: 2022-09-06. Review status: criteria provided, single submitter. Criteria: Invitae Variant Classification Sherloc (09022015). Collection method: clinical testing. Allele origin: germline.
Comment: This sequence change replaces proline, which is neutral and non-polar, with arginine, which is basic and polar, at codon 339 of the RCBTB1 protein (p.Pro339Arg). This variant is present in population databases (no rsID available, gnomAD 0.01%). This variant has not been reported in the literature in individuals affected with RCBTB1-related conditions. ClinVar contains an entry for this variant (Variation ID: 1351797). Algorithms developed to predict the effect of missense changes on protein structure and function (SIFT, PolyPhen-2, Align-GVGD) all suggest that this variant is likely to be disruptive. In summary, the available evidence is currently insufficient to determine the role of this variant in disease. Therefore, it has been classified as a Variant of Uncertain Significance.

Blueprint Genetics
Classification: Uncertain significance. Last evaluated: 2021-07-21. Review status: criteria provided, single submitter. Criteria: ACMG Guidelines, 2015. Collection method: clinical testing. Allele origin: germline.

NM_018191.4(RCBTB1):c.1016C>G (p.Pro339Arg)

Gene: RCBTB1 (RCC1 and BTB domain containing protein 1; minus strand). Cytogenetic location: 13q14.2.
Variant type: single nucleotide variant.
Coding change: c.1016C>G on transcript NM_018191.4 (MANE Select); coding-DNA position 1016, C replaced by G.
Protein change: p.Pro339Arg; replaces proline 339 with arginine.
Molecular consequence: missense variant. On other transcripts: non-coding transcript variant (2).
Genome position (GRCh38, 1-based): chr13:49,549,487, G>C on the plus strand (C>G on the coding strand, the complement: RCBTB1 is on the minus strand). VCF-style: chr13-49549487-G-C. GRCh37 (hg19) VCF-style: chr13-50123623-G-C.
Other names: c.1016C>G, p.Pro339Arg (NM_001352500.2, NM_001352501.2, NM_001352502.2 and 3 more transcripts); c.437C>G, p.Pro146Arg (NM_001352506.2); short protein forms P339R, P146R.
Identifiers: ClinVar variation 1351797 (VCV001351797.9), dbSNP rs763200325, ClinGen allele CA388189331.